The following is an entry in ClinVar:

NM_005245.4(FAT1):c.5056G>A (p.Val1686Ile)

Gene: FAT1 (FAT atypical cadherin 1; minus strand). Cytogenetic location: 4q35.2.
Variant type: single nucleotide variant.
Coding change: c.5056G>A on transcript NM_005245.4 (MANE Select); coding-DNA position 5056, G replaced by A.
Protein change: p.Val1686Ile; replaces valine 1686 with isoleucine.
Molecular consequence: missense variant.
Genome position (GRCh38, 1-based): chr4:186,621,530, C>T on the plus strand (G>A on the coding strand, the complement: FAT1 is on the minus strand). VCF-style: chr4-186621530-C-T. GRCh37 (hg19) VCF-style: chr4-187542684-C-T.
Other names: short protein forms V1686I.
Identifiers: ClinVar variation 1366951 (VCV001366951.6), dbSNP rs749494325, ClinGen allele CA3166537.

ClinVar aggregate classification (germline): Uncertain significance (1 of 4 stars; one submission).

Allele frequency attached by ClinVar (database versions not stated): ExAC 0.00001; gnomAD 0.00001; gnomAD exomes 0.00001.
gnomAD v4.1: 68 of 1,613,866 alleles (0.0042%); highest among the groups gnomAD compares: Non-Finnish European, 0.0052%; no homozygotes.

Submission:

Labcorp Genetics (formerly Invitae), Labcorp
Classification: Uncertain significance. Last evaluated: 2024-05-06. Review status: criteria provided, single submitter. Criteria: Invitae Variant Classification Sherloc (09022015). Collection method: clinical testing. Allele origin: germline.
Comment: This sequence change replaces valine, which is neutral and non-polar, with isoleucine, which is neutral and non-polar, at codon 1686 of the FAT1 protein (p.Val1686Ile). This variant is present in population databases (rs749494325, gnomAD 0.003%). This variant has not been reported in the literature in individuals affected with FAT1-related conditions. ClinVar contains an entry for this variant (Variation ID: 1366951). Algorithms developed to predict the effect of missense changes on protein structure and function output the following: SIFT: "Not Available"; PolyPhen-2: "Possibly Damaging"; Align-GVGD: "Not Available". The isoleucine amino acid residue is found in multiple mammalian species, which suggests that this missense change does not adversely affect protein function. In summary, the available evidence is currently insufficient to determine the role of this variant in disease. Therefore, it has been classified as a Variant of Uncertain Significance.